The following is an entry in ClinVar:

NM_001282531.3(ADNP):c.201+19T>C

Gene: ADNP (activity dependent neuroprotector homeobox; minus strand). Cytogenetic location: 20q13.13.
Variant type: single nucleotide variant.
Coding change: c.201+19T>C on transcript NM_001282531.3 (MANE Select); 19 bases into the intron after coding-DNA position 201, T replaced by C.
Molecular consequence: intron variant.
Genome position (GRCh38, 1-based): chr20:50,901,998, A>G on the plus strand (T>C on the coding strand, the complement: ADNP is on the minus strand). VCF-style: chr20-50901998-A-G. GRCh37 (hg19) VCF-style: chr20-49518535-A-G.
Other names: c.201+19T>C (NM_181442.4, NM_001347511.2, NM_015339.5 and 1 more transcripts).
Identifiers: ClinVar variation 2132748 (VCV002132748.4), dbSNP rs1420400903, ClinGen allele CA745309071.
Genomic context (GRCh38, chr20:50,901,998, plus strand): 5'-ACCGCTATAAAAGGCCTAGAGCTGAAAAGGGAGTATACCAAGCATGCTGCCATCTGAGGA[A>G]GTCTCCTGTGCCACTTACCTGGTTTTTCGTAAGTGATGGGTCCCACAGTCCTACATCCTC-3'

ClinVar aggregate classification (germline): Uncertain significance (1 of 4 stars; one submission).

Allele frequency attached by ClinVar (database versions not stated): TOPMed below 0.00001.

Submission:

Labcorp Genetics (formerly Invitae), Labcorp
Classification: Uncertain significance. Last evaluated: 2022-05-17. Review status: criteria provided, single submitter. Criteria: Invitae Variant Classification Sherloc (09022015). Collection method: clinical testing. Allele origin: germline.
Comment: In summary, the available evidence is currently insufficient to determine the role of this variant in disease. Therefore, it has been classified as a Variant of Uncertain Significance. This variant has not been reported in the literature in individuals affected with ADNP-related conditions. This variant is not present in population databases (gnomAD no frequency). This sequence change falls in intron 4 of the ADNP gene. It does not directly change the encoded amino acid sequence of the ADNP protein.